The following is an entry in ClinVar:

ClinVar aggregate classification (germline): Uncertain significance. Review status: criteria provided, multiple submitters, no conflicts (2 of 4 stars). 2 submissions from 2 submitters: Uncertain significance (2). Last evaluated 2022-08-12.

Conditions:
Carnitine palmitoyl transferase 1A deficiency. Also called: Carnitine palmitoyltransferase type I deficiency; Carnitine palmitoyltransferase 1A deficiency; CPT I DEFICIENCY; CPT DEFICIENCY, HEPATIC, TYPE I; CPT deficiency, hepatic, type IA. Identifiers: Orphanet 156, MedGen C1829703, MONDO:0009705, OMIM 255120.

Allele frequency attached by ClinVar (database versions not stated): gnomAD exomes below 0.00001.
gnomAD v4.1: 1 of 1,614,214 alleles (0.000062%); highest among the groups gnomAD compares: Non-Finnish European, 0.000085%; no homozygotes.

Submissions (2):

Labcorp Genetics (formerly Invitae), Labcorp
Classification: Uncertain significance for Carnitine palmitoyl transferase 1A deficiency. Last evaluated: 2022-08-12. Review status: criteria provided, single submitter. Criteria: Invitae Variant Classification Sherloc (09022015). Collection method: clinical testing. Allele origin: germline.
Comment: This sequence change replaces leucine, which is neutral and non-polar, with valine, which is neutral and non-polar, at codon 281 of the CPT1A protein (p.Leu281Val). This variant is not present in population databases (gnomAD no frequency). This variant has not been reported in the literature in individuals affected with CPT1A-related conditions. Algorithms developed to predict the effect of missense changes on protein structure and function (SIFT, PolyPhen-2, Align-GVGD) all suggest that this variant is likely to be tolerated. In summary, the available evidence is currently insufficient to determine the role of this variant in disease. Therefore, it has been classified as a Variant of Uncertain Significance.

Blueprint Genetics
Classification: Uncertain significance. Last evaluated: 2021-12-19. Review status: criteria provided, single submitter. Criteria: ACMG Guidelines, 2015. Collection method: clinical testing. Allele origin: germline.

NM_001876.4(CPT1A):c.841C>G (p.Leu281Val)

Gene: CPT1A (carnitine palmitoyltransferase 1A; minus strand). Cytogenetic location: 11q13.3.
Variant type: single nucleotide variant.
Coding change: c.841C>G on transcript NM_001876.4 (MANE Select); coding-DNA position 841, C replaced by G.
Protein change: p.Leu281Val; replaces leucine 281 with valine.
Molecular consequence: missense variant.
Genome position (GRCh38, 1-based): chr11:68,794,842, G>C on the plus strand (C>G on the coding strand, the complement: CPT1A is on the minus strand). VCF-style: chr11-68794842-G-C. GRCh37 (hg19) VCF-style: chr11-68562310-G-C.
Other names: c.841C>G, p.Leu281Val (NM_001031847.3); short protein forms L281V.
Identifiers: ClinVar variation 2130759 (VCV002130759.2), dbSNP rs2495618637, ClinGen allele CA381634515.